The following is an entry in ClinVar:

NM_006206.6(PDGFRA):c.2323+7G>C

Gene: PDGFRA (platelet derived growth factor receptor alpha; plus strand). Cytogenetic location: 4q12.
Variant type: single nucleotide variant.
Coding change: c.2323+7G>C on transcript NM_006206.6 (MANE Select); 7 bases into the intron after coding-DNA position 2323, G replaced by C.
Molecular consequence: intron variant.
Genome position (GRCh38, 1-based): chr4:54,280,489, G>C. VCF-style: chr4-54280489-G-C. GRCh37 (hg19) VCF-style: chr4-55146656-G-C.
Other names: c.2398+7G>C (NM_001347828.2); c.2323+7G>C (NM_001347827.2, NM_001347829.2, NM_006206.5); c.2362+7G>C (NM_001347830.2).
Identifiers: ClinVar variation 240329 (VCV000240329.13), dbSNP rs763780833, ClinGen allele CA2922807.

ClinVar aggregate classification (germline): Likely benign. Review status: criteria provided, multiple submitters, no conflicts (2 of 4 stars). 3 submissions from 3 submitters: Likely benign (3). Last evaluated 2026-06-15.

Conditions:
Polyps, multiple and recurrent inflammatory fibroid, gastrointestinal. Identifiers: MedGen C5193005, MONDO:0008285, OMIM 175510.
PDGFRA-related disorder. Also called: PDGFRA-related condition.
Gastrointestinal stromal tumor. Also called: Gastrointestinal stromal tumor, somatic; Gastrointestinal stroma tumor. Identifiers: Orphanet 44890, MedGen C0238198, MeSH D046152, MONDO:0011719, OMIM 606764, HP:0100723.

Allele frequency attached by ClinVar (database versions not stated): ExAC 0.00001; TOPMed 0.00001; gnomAD exomes 0.00003.
gnomAD v4.1: 7 of 1,607,374 alleles (0.00044%); highest among the groups gnomAD compares: Admixed American, 0.0083%; no homozygotes.

Submissions (3):

Myriad Genetics, Inc.
Classification: Likely benign for Polyps, multiple and recurrent inflammatory fibroid, gastrointestinal. Last evaluated: 2026-06-15. Review status: criteria provided, single submitter. Criteria: Myriad Autosomal Dominant, Autosomal Recessive and X-Linked Classification Criteria (2023). Collection method: clinical testing. Allele origin: unknown.
Comment: This variant is considered likely benign. This variant is intronic and is not expected to impact mRNA splicing.

Labcorp Genetics (formerly Invitae), Labcorp
Classification: Likely benign for Gastrointestinal stromal tumor. Last evaluated: 2025-12-28. Review status: criteria provided, single submitter. Criteria: Invitae Variant Classification Sherloc (09022015). Collection method: clinical testing. Allele origin: germline.

PreventionGenetics, part of Exact Sciences
Classification: Likely benign for PDGFRA-related condition. Last evaluated: 2024-12-03. Review status: criteria provided, single submitter. Criteria: ACMG Guidelines, 2015. Collection method: clinical testing. Allele origin: germline.
Comment: This variant is classified as likely benign based on ACMG/AMP sequence variant interpretation guidelines (Richards et al. 2015 PMID: 25741868, with internal and published modifications).